The following is an entry in ClinVar:

ClinVar aggregate classification (germline): Likely benign (1 of 4 stars; one submission).

gnomAD v4.1: 3 of 1,604,166 alleles (0.00019%); highest among the groups gnomAD compares: Non-Finnish European, 0.00017%; no homozygotes.

Submission:

CeGaT Center for Human Genetics Tuebingen
Classification: Likely benign. Last evaluated: 2026-06-01. Review status: criteria provided, single submitter. Criteria: CeGaT Center For Human Genetics Tuebingen Variant Classification Criteria Version 2. Collection method: clinical testing. Allele origin: germline. Affected: yes. Observed: 1 variant allele.
Comment: KMT2C: BP4

NM_170606.3(KMT2C):c.1741C>G (p.Gln581Glu)

Gene: KMT2C (lysine methyltransferase 2C; minus strand). Cytogenetic location: 7q36.1.
Variant type: single nucleotide variant.
Coding change: c.1741C>G on transcript NM_170606.3 (MANE Select); coding-DNA position 1741, C replaced by G.
Protein change: p.Gln581Glu; replaces glutamine 581 with glutamic acid.
Molecular consequence: missense variant.
Genome position (GRCh38, 1-based): chr7:152,249,948, G>C on the plus strand (C>G on the coding strand, the complement: KMT2C is on the minus strand). VCF-style: chr7-152249948-G-C. GRCh37 (hg19) VCF-style: chr7-151947033-G-C.
Other names: short protein forms Q581E.
Identifiers: ClinVar variation 4873686 (VCV004873686.2).